The following is an entry in ClinVar:

ClinVar aggregate classification (germline): Likely benign (1 of 4 stars; one submission).

Conditions:
SLCO1B3-related disorder. Also called: SLCO1B3-related condition.

gnomAD v4.1: 4 of 1,425,462 alleles (0.00028%); highest among the groups gnomAD compares: African/African-American, 0.0014%; no homozygotes.

Submission:

PreventionGenetics, part of Exact Sciences
Classification: Likely benign for SLCO1B3-related condition. Last evaluated: 2025-07-16. Review status: criteria provided, single submitter. Criteria: ACMG Guidelines, 2015. Collection method: clinical testing. Allele origin: germline.
Comment: This variant is classified as likely benign based on ACMG/AMP sequence variant interpretation guidelines (Richards et al. 2015 PMID: 25741868, with internal and published modifications).

NM_019844.4(SLCO1B3):c.1747+6A>G

Genes: SLCO1B3 (solute carrier organic anion transporter family member 1B3; plus strand), SLCO1B3-SLCO1B7 (SLCO1B3-SLCO1B7 readthrough; plus strand). Cytogenetic location: 12p12.2.
Variant type: single nucleotide variant.
Coding change: c.1747+6A>G on transcript NM_019844.4 (MANE Select); 6 bases into the intron after coding-DNA position 1747, A replaced by G.
Molecular consequence: intron variant.
Genome position (GRCh38, 1-based): chr12:20,898,506, A>G. VCF-style: chr12-20898506-A-G. GRCh37 (hg19) VCF-style: chr12-21051440-A-G.
Other names: c.1663+6A>G (NM_001349920.2); c.1747+6A>G (NM_001371097.1).
Identifiers: ClinVar variation 4999127 (VCV004999127.1).
Genomic context (GRCh38, chr12:20,898,506, plus strand): 5'-CCTGAATTGAAAGCACTTGCAATGGGTTTCCAGTCAATGGTTATAAGAACACTAGGTATG[A>G]CAAATATATAGATTATACATTTTAACATATAAATATTAATGTTAAATACTAAAGACTGAA-3'